The following is an entry in ClinVar:

ClinVar aggregate classification (germline): Uncertain significance. Review status: criteria provided, multiple submitters, no conflicts (2 of 4 stars). 3 submissions from 3 submitters: Uncertain significance (3). Last evaluated 2025-07-09.

Conditions:
Hereditary cancer-predisposing syndrome. Also called: Neoplastic Syndromes, Hereditary; Tumor predisposition; Hereditary Cancer Syndrome; Hereditary neoplastic syndrome. Identifiers: Orphanet 140162, MedGen C0027672, MeSH D009386, MONDO:0015356.
Familial adenomatous polyposis 1 (FAP1). Also called: FAMILIAL ADENOMATOUS POLYPOSIS 1, ATTENUATED; POLYPOSIS, ADENOMATOUS INTESTINAL. Identifiers: MedGen C2713442, MONDO:0021056, OMIM 175100. Disease mechanism: loss of function.

Allele frequency attached by ClinVar (database versions not stated): gnomAD exomes below 0.00001; TOPMed below 0.00001; ExAC 0.00001.
gnomAD v4.1: 3 of 1,612,504 alleles (0.00019%); highest among the groups gnomAD compares: Admixed American, 0.0017%; no homozygotes.

Submissions (3):

Labcorp Genetics (formerly Invitae), Labcorp
Classification: Uncertain significance for Familial adenomatous polyposis 1. Last evaluated: 2025-07-09. Review status: criteria provided, single submitter. Criteria: Invitae Variant Classification Sherloc (09022015). Collection method: clinical testing. Allele origin: germline.
Comment: This sequence change replaces asparagine, which is neutral and polar, with serine, which is neutral and polar, at codon 1824 of the APC protein (p.Asn1824Ser). This variant is present in population databases (rs776331454, gnomAD 0.003%). This variant has not been reported in the literature in individuals affected with APC-related conditions. ClinVar contains an entry for this variant (Variation ID: 922003). Invitae Evidence Modeling of protein sequence and biophysical properties (such as structural, functional, and spatial information, amino acid conservation, physicochemical variation, residue mobility, and thermodynamic stability) indicates that this missense variant is not expected to disrupt APC protein function with a negative predictive value of 95%. In summary, the available evidence is currently insufficient to determine the role of this variant in disease. Therefore, it has been classified as a Variant of Uncertain Significance.

Ambry Genetics
Classification: Uncertain significance for Hereditary cancer-predisposing syndrome. Last evaluated: 2025-05-30. Review status: criteria provided, single submitter. Criteria: Ambry Variant Classification Scheme 2023. Collection method: clinical testing. Allele origin: germline.
Comment: The p.N1824S variant (also known as c.5471A>G), located in coding exon 15 of the APC gene, results from an A to G substitution at nucleotide position 5471. The asparagine at codon 1824 is replaced by serine, an amino acid with highly similar properties. This amino acid position is not well conserved in available vertebrate species. In addition, in silico predictors for this gene do not accurately predict pathogenicity. Missense alterations in APC are not a common cause of disease (Spier I et al. Genet Med. 2024 Feb;26(2):100992). Based on the available evidence, the clinical significance of this variant remains unclear.

Color Diagnostics, LLC DBA Color Health
Classification: Uncertain significance for Hereditary cancer-predisposing syndrome. Last evaluated: 2024-03-06. Review status: criteria provided, single submitter. Criteria: ACMG Guidelines, 2015. Collection method: clinical testing. Allele origin: germline.
Comment: This missense variant replaces asparagine with serine at codon 1824 of the APC protein. Computational prediction tool suggests that this variant may not impact protein structure and function (internally defined REVEL score threshold <=0.5, PMID: 27666373). Splice site prediction tools suggest that this variant may not impact RNA splicing. To our knowledge, functional studies have not been performed for this variant. This variant has not been reported in individuals affected with hereditary cancer in the literature. This variant has been identified in 1/250628 chromosomes in the general population by the Genome Aggregation Database (gnomAD). The available evidence is insufficient to determine the role of this variant in disease conclusively. Therefore, this variant is classified as a Variant of Uncertain Significance.

NM_000038.6(APC):c.5471A>G (p.Asn1824Ser)

Gene: APC (APC regulator of Wnt signaling pathway; plus strand). Cytogenetic location: 5q22.2.
Variant type: single nucleotide variant.
Coding change: c.5471A>G on transcript NM_000038.6 (MANE Select); coding-DNA position 5471, A replaced by G.
Protein change: p.Asn1824Ser; replaces asparagine 1824 with serine.
Molecular consequence: missense variant.
Genome position (GRCh38, 1-based): chr5:112,841,065, A>G. VCF-style: chr5-112841065-A-G. GRCh37 (hg19) VCF-style: chr5-112176762-A-G.
Other names: c.5471A>G, p.Asn1824Ser (NM_001127510.3, NM_001354895.2); c.5417A>G, p.Asn1806Ser (NM_001127511.3); c.5525A>G, p.Asn1842Ser (NM_001354896.2); c.5501A>G, p.Asn1834Ser (NM_001354897.2); c.5396A>G, p.Asn1799Ser (NM_001354898.2); c.5387A>G, p.Asn1796Ser (NM_001354899.2); c.5348A>G, p.Asn1783Ser (NM_001354900.2); c.5294A>G, p.Asn1765Ser (NM_001354901.2); and 5 more; short protein forms N1799S, N1664S, N1698S, N1723S, N1765S, N1834S, N1842S, N1541S.
Identifiers: ClinVar variation 922003 (VCV000922003.16), dbSNP rs776331454, ClinGen allele CA042030.
Genomic context (GRCh38, chr5:112,841,065, plus strand): 5'-TTTTCTCAGACAACAAAGATTCAAAGAAACAGAATTTGAAAAATAATTCCAAGGTCTTCA[A>G]TGATAAGCTCCCAAATAATGAAGATAGAGTCAGAGGAAGTTTTGCTTTTGATTCACCTCA-3'
Protein context (NP_000029.2, residues 1814-1834): QNLKNNSKVF[Asn1824Ser]DKLPNNEDRV